The following is an entry in ClinVar:

ClinVar aggregate classification (germline): Benign/Likely benign. Review status: criteria provided, multiple submitters, no conflicts (2 of 4 stars). 2 submissions from 2 submitters: Benign (1); Likely benign (1). Last evaluated 2024-09-25.

Conditions:
Melanoma, cutaneous malignant, susceptibility to, 3. Also called: Cutaneous malignant melanoma 3. Identifiers: Orphanet 618, MedGen C1836892, MONDO:0012183, OMIM 609048.
Hereditary cancer-predisposing syndrome. Also called: Tumor predisposition; Hereditary Cancer Syndrome; Neoplastic Syndromes, Hereditary; Hereditary neoplastic syndrome. Identifiers: Orphanet 140162, MedGen C0027672, MeSH D009386, MONDO:0015356.

Submissions (2):

Myriad Genetics, Inc.
Classification: Benign for Melanoma, cutaneous malignant, susceptibility to, 3. Last evaluated: 2024-09-25. Review status: criteria provided, single submitter. Criteria: Myriad Autosomal Dominant, Autosomal Recessive and X-Linked Classification Criteria (2023). Collection method: clinical testing. Allele origin: unknown.
Comment: This variant is considered benign. This variant is a silent/synonymous amino acid change and it is not expected to impact splicing.

Ambry Genetics
Classification: Likely benign for Hereditary cancer-predisposing syndrome. Last evaluated: 2019-06-13. Review status: criteria provided, single submitter. Criteria: Ambry Variant Classification Scheme 2023. Collection method: clinical testing. Allele origin: germline.

NM_000075.4(CDK4):c.324C>G (p.Pro108=)

Gene: CDK4 (cyclin dependent kinase 4; minus strand). Cytogenetic location: 12q14.1.
Variant type: single nucleotide variant.
Coding change: c.324C>G on transcript NM_000075.4 (MANE Select); coding-DNA position 324, C replaced by G.
Protein change: p.Pro108=; no amino-acid change (proline 108 retained).
Molecular consequence: synonymous variant.
Genome position (GRCh38, 1-based): chr12:57,751,237, G>C on the plus strand (C>G on the coding strand, the complement: CDK4 is on the minus strand). VCF-style: chr12-57751237-G-C. GRCh37 (hg19) VCF-style: chr12-58145020-G-C.
Identifiers: ClinVar variation 823295 (VCV000823295.5), dbSNP rs774075369, ClinGen allele CA480404578.